The following is an entry in ClinVar:

ClinVar aggregate classification (germline): Uncertain significance (1 of 4 stars; one submission).

Conditions:
Acquired polycythemia vera. Also called: POLYCYTHEMIA RUBRA VERA; Suspected polycythemia vera; Polycythemia vera, somatic. Identifiers: Orphanet 729, MedGen C0032463, MeSH D011087, MONDO:0009891, OMIM 263300.

gnomAD v4.1: 1 of 1,593,836 alleles (0.000063%); highest among the groups gnomAD compares: East Asian, 0.0023%; no homozygotes.

Submission:

3billion
Classification: Uncertain significance for Acquired polycythemia vera. Last evaluated: 2023-11-13. Review status: criteria provided, single submitter. Criteria: ACMG Guidelines, 2015. Collection method: clinical testing. Allele origin: germline. Affected: yes.
Comment: The variant is observed at an extremely low frequency in the gnomAD v2.1.1 dataset (total allele frequency: <0.001%). Predicted Consequence/Location: Missense changes are a common disease-causing mechanism. In silico tool predictions suggest damaging effect of the variant on gene or gene product [REVEL: 0.92 (>=0.6, sensitivity 0.68 and specificity 0.92)]. Therefore, this variant is classified as VUS according to the recommendation of ACMG/AMP guideline.

NM_004972.4(JAK2):c.2861T>G (p.Leu954Arg)

Genes: INSL6 (insulin like 6; minus strand), JAK2 (Janus kinase 2; plus strand). Cytogenetic location: 9p24.1.
Variant type: single nucleotide variant.
Coding change: c.2861T>G on transcript NM_004972.4 (MANE Select); coding-DNA position 2861, T replaced by G.
Protein change: p.Leu954Arg; replaces leucine 954 with arginine.
Molecular consequence: missense variant. On other transcripts: non-coding transcript variant (2).
Genome position (GRCh38, 1-based): chr9:5,090,545, T>G. VCF-style: chr9-5090545-T-G. GRCh37 (hg19) VCF-style: chr9-5090545-T-G.
Other names: c.2861T>G, p.Leu954Arg (NM_001322194.2, NM_001322195.2, NM_001322196.2); c.1646T>G, p.Leu549Arg (NM_001322198.2, NM_001322199.2); c.2414T>G, p.Leu805Arg (NM_001322204.2); short protein forms L549R, L805R, L954R.
Identifiers: ClinVar variation 3776101 (VCV003776101.1).